The following is an entry in ClinVar:

ClinVar aggregate classification (germline): Uncertain significance (1 of 4 stars; one submission).

Conditions:
Charcot-Marie-Tooth disease axonal type 2Z. Also called: CHARCOT-MARIE-TOOTH DISEASE, AXONAL, AUTOSOMAL DOMINANT, TYPE 2Z; CHARCOT-MARIE-TOOTH NEUROPATHY, TYPE 2Z. Identifiers: Orphanet 466768, MedGen C5569025, MONDO:0014736, OMIM 616688.

Allele frequency attached by ClinVar (database versions not stated): gnomAD exomes below 0.00001; TOPMed below 0.00001; ExAC 0.00001.
gnomAD v4.1: 1 of 1,614,118 alleles (0.000062%); highest among the groups gnomAD compares: Admixed American, 0.0017%; no homozygotes.

Submission:

Labcorp Genetics (formerly Invitae), Labcorp
Classification: Uncertain significance for Charcot-Marie-Tooth disease axonal type 2Z. Last evaluated: 2022-04-24. Review status: criteria provided, single submitter. Criteria: Invitae Variant Classification Sherloc (09022015). Collection method: clinical testing. Allele origin: germline.
Comment: This variant is present in population databases (rs778121452, gnomAD 0.003%). In summary, the available evidence is currently insufficient to determine the role of this variant in disease. Therefore, it has been classified as a Variant of Uncertain Significance. Algorithms developed to predict the effect of missense changes on protein structure and function are either unavailable or do not agree on the potential impact of this missense change (SIFT: "Not Available"; PolyPhen-2: "Possibly Damaging"; Align-GVGD: "Not Available"). This variant has not been reported in the literature in individuals affected with MORC2-related conditions. This sequence change replaces threonine, which is neutral and polar, with isoleucine, which is neutral and non-polar, at codon 522 of the MORC2 protein (p.Thr522Ile).

NM_001303256.3(MORC2):c.1565C>T (p.Thr522Ile)

Gene: MORC2 (MORC family CW-type zinc finger 2; minus strand). Cytogenetic location: 22q12.2.
Variant type: single nucleotide variant.
Coding change: c.1565C>T on transcript NM_001303256.3 (MANE Select); coding-DNA position 1565, C replaced by T.
Protein change: p.Thr522Ile; replaces threonine 522 with isoleucine.
Molecular consequence: missense variant.
Genome position (GRCh38, 1-based): chr22:30,936,971, G>A on the plus strand (C>T on the coding strand, the complement: MORC2 is on the minus strand). VCF-style: chr22-30936971-G-A. GRCh37 (hg19) VCF-style: chr22-31332958-G-A.
Other names: c.1565C>T, p.Thr522Ile (NM_001303257.2); c.1379C>T, p.Thr460Ile (NM_014941.3); short protein forms T460I, T522I.
Identifiers: ClinVar variation 1481863 (VCV001481863.8), dbSNP rs778121452, ClinGen allele CA10186922.